The following is an entry in ClinVar:

NM_000166.6(GJB1):c.472C>T (p.Pro158Ser)

Gene: GJB1 (gap junction protein beta 1; plus strand). Cytogenetic location: Xq13.1.
Variant type: single nucleotide variant.
Coding change: c.472C>T on transcript NM_000166.6 (MANE Select); coding-DNA position 472, C replaced by T.
Protein change: p.Pro158Ser; replaces proline 158 with serine.
Molecular consequence: missense variant.
Genome position (GRCh38, 1-based): chrX:71,224,179, C>T. VCF-style: chrX-71224179-C-T. GRCh37 (hg19) VCF-style: chrX-70444029-C-T.
Other names: c.472C>T, p.Pro158Ser (NM_001097642.3); short protein forms P158S.
Identifiers: ClinVar variation 637211 (VCV000637211.3), dbSNP rs1602349430, ClinGen allele CA413502659.

ClinVar aggregate classification (germline): Uncertain significance. Review status: criteria provided, single submitter (1 of 4 stars). 2 submissions from 2 submitters: Uncertain significance (1). 1 of the submissions does not count toward it. Last evaluated 2021-12-18.

Conditions:
Charcot-Marie-Tooth disease. Also called: Charcot-Marie-Tooth Hereditary Neuropathy; Charcot-Marie-Tooth Neuropathy. Identifiers: Orphanet 166, MedGen C0007959, MONDO:0015626.
Charcot-Marie-Tooth Neuropathy X. Identifiers: MedGen CN118851.

Submissions (2):

Labcorp Genetics (formerly Invitae), Labcorp
Classification: Uncertain significance for Charcot-Marie-Tooth Neuropathy X. Last evaluated: 2021-12-18. Review status: criteria provided, single submitter. Criteria: Invitae Variant Classification Sherloc (09022015). Collection method: clinical testing. Allele origin: germline.
Comment: This sequence change replaces proline, which is neutral and non-polar, with serine, which is neutral and polar, at codon 158 of the GJB1 protein (p.Pro158Ser). This variant is not present in population databases (gnomAD no frequency). This missense change has been observed in individual(s) with clinical features of Charcot-Marie-Tooth disease (PMID: 9888385, 17353473). ClinVar contains an entry for this variant (Variation ID: 637211). Algorithms developed to predict the effect of missense changes on protein structure and function (SIFT, PolyPhen-2, Align-GVGD) all suggest that this variant is likely to be disruptive. This variant disrupts the p.Pro158 amino acid residue in GJB1. Other variant(s) that disrupt this residue have been observed in individuals with GJB1-related conditions (PMID: 26989944; Invitae), which suggests that this may be a clinically significant amino acid residue. In summary, the available evidence is currently insufficient to determine the role of this variant in disease. Therefore, it has been classified as a Variant of Uncertain Significance.

Inherited Neuropathy Consortium
Classification: Uncertain significance for Charcot-Marie-Tooth disease. Review status: no assertion criteria provided. Collection method: literature only. Allele origin: germline. Affected: yes. Not counted in ClinVar's aggregate classification.

Literature cited by the submitters: PubMed 9888385 (cited by Labcorp Genetics (formerly Invitae), Labcorp); PubMed 17353473 (cited by Labcorp Genetics (formerly Invitae), Labcorp); PubMed 26989944 (cited by Labcorp Genetics (formerly Invitae), Labcorp); PubMed 10093067 (cited by Inherited Neuropathy Consortium).